The following is an entry in ClinVar:

ClinVar aggregate classification (germline): Likely pathogenic (1 of 4 stars; one submission).

Submission:

GeneDx
Classification: Likely pathogenic. Last evaluated: 2025-06-04. Review status: criteria provided, single submitter. Criteria: GeneDx Variant Classification Process June 2021. Collection method: clinical testing. Allele origin: germline. Affected: yes.
Comment: Reported using alternate nomenclature c.709G>T, p.(Glu237*) in a patient with hypermobility and varicose veins, however, segregation analysis was not complete (PMID: 29907982); Nonsense variant predicted to result in protein truncation or nonsense mediated decay in a gene for which loss-of-function is a known mechanism of disease; Not observed at significant frequency in large population cohorts (gnomAD); In silico analysis suggests this variant may impact gene splicing. In the absence of RNA/functional studies, the actual effect of this sequence change is unknown; This variant is associated with the following publications: (PMID: 29907982)

NM_003238.6(TGFB2):c.625G>T (p.Glu209Ter)

Gene: TGFB2 (transforming growth factor beta 2; plus strand). Cytogenetic location: 1q41.
Variant type: single nucleotide variant.
Coding change: c.625G>T on transcript NM_003238.6 (MANE Select); coding-DNA position 625, G replaced by T.
Protein change: p.Glu209Ter; replaces glutamic acid 209 with a stop codon.
Molecular consequence: nonsense. On other transcripts: non-coding transcript variant (2).
Genome position (GRCh38, 1-based): chr1:218,434,196, G>T. VCF-style: chr1-218434196-G-T. GRCh37 (hg19) VCF-style: chr1-218607538-G-T.
Other names: c.709G>T, p.Glu237Ter (NM_001135599.4); short protein forms E209*, E237*.
Identifiers: ClinVar variation 4536230 (VCV004536230.1).